The following continues an entry in ClinVar:

NM_004004.6(GJB2):c.71G>A (p.Trp24Ter)

Gene: GJB2. ClinVar aggregate classification (germline): Pathogenic. Pathogenic (1).

Submissions 39 to 55 of 60:

Eurofins Ntd Llc (ga)
Classification: Pathogenic. Last evaluated: 2016-07-19. Review status: criteria provided, single submitter. Criteria: EGL Classification Definitions 2015. Collection method: clinical testing. Allele origin: germline. Observed: 3 variant alleles, 3 heterozygotes. Not counted in ClinVar's aggregate classification.

Women's Health and Genetics/Laboratory Corporation of America, LabCorp
Classification: Pathogenic for Autosomal recessive nonsyndromic hearing loss 1A. Last evaluated: 2016-06-28. Review status: criteria provided, single submitter. Criteria: LabCorp Variant Classification Summary - May 2015. Collection method: clinical testing. Allele origin: germline. Not counted in ClinVar's aggregate classification.
Comment: Variant summary: The GJB2 c.71G>A (p.Trp24X) variant results in a premature termination codon, predicted to cause a truncated or absent GJB2 protein due to nonsense mediated decay, which are commonly known mechanisms for disease. Functional analysis showed that this results into truncated protein; the mutant protein does not undergo nonsense mediated decay (Mani_2009). Thus it causes loss of connexin and gap junction channel protein cysteine-rich domains. Truncations downstream of this position have been classified as pathogenic by our laboratory (e.g.p.Trp44X, p.Gln124X, etc.). This variant was found in 70/121380 control chromosomes at a frequency of 0.0005767, which does not exceed the estimated maximal expected allele frequency of a pathogenic GJB2 variant (0.025). In literature, this variant is reported as one of the common pathogenic variants, found especially in India, with consistent clinical (cosegregation and genotypic) data supporting for pathogenicity. Multiple clinical diagnostic laboratories/reputable databases classified this variant as pathogenic. Taken together, this variant is classified as Pathogenic.

Centre for Mendelian Genomics, University Medical Centre Ljubljana
Classification: Pathogenic for Autosomal dominant nonsyndromic hearing loss 3A. Last evaluated: 2016-01-01. Review status: criteria provided, single submitter. Criteria: ACMG Guidelines, 2015. Collection method: clinical testing. Allele origin: unknown. Affected: yes. Not counted in ClinVar's aggregate classification.
Comment: This variant was classified as: Pathogenic. The following ACMG criteria were applied in classifying this variant: PM2,PM3,PM4,PP3,PS1,PP4.

Genetic Services Laboratory, University of Chicago
Classification: Pathogenic for Hearing impairment. Last evaluated: 2013-02-08. Review status: criteria provided, single submitter. Criteria: ACMG Guidelines, 2007. Collection method: clinical testing. Allele origin: germline. Inheritance: Autosomal recessive inheritance. Affected: yes. Not counted in ClinVar's aggregate classification.

Laboratory for Molecular Medicine, Mass General Brigham Personalized Medicine
Classification: Pathogenic for Rare genetic deafness. Last evaluated: 2008-02-25. Review status: criteria provided, single submitter. Criteria: LMM Criteria. Collection method: clinical testing. Allele origin: germline. Observed: 9 variant alleles. Not counted in ClinVar's aggregate classification.
Comment: The Trp24X variant in GJB2 is a known pathogenic variant and has been reported i n many individuals affected with hearing loss (Kelsell 1997, Roux 2004, Mani 200 9). ACMG/AMP Criteria applied: PVS1, PM3_VeryStrong.

Baylor Genetics
Classification: Pathogenic for Autosomal recessive nonsyndromic hearing loss 1A; Autosomal recessive nonsyndromic hearing loss 1B. Review status: criteria provided, single submitter. Criteria: ACMG Guidelines, 2015. Collection method: clinical testing. Allele origin: germline. Not counted in ClinVar's aggregate classification.

Clinical Genetics Service, Universitary Hospital 12 de Octubre
Classification: Pathogenic for Autosomal recessive nonsyndromic hearing loss 1A. Review status: criteria provided, single submitter. Criteria: ACMG Guidelines, 2015. Collection method: clinical testing. Allele origin: germline. Affected: yes. Not counted in ClinVar's aggregate classification.

Kariminejad - Najmabadi Pathology & Genetics Center
Classification: Pathogenic for Autosomal recessive nonsyndromic hearing loss 1A. Review status: criteria provided, single submitter. Criteria: ACMG Guidelines, 2015. Collection method: clinical testing. Allele origin: germline. Affected: no. Not counted in ClinVar's aggregate classification.

Lifecell International Pvt. Ltd
Classification: Pathogenic for Autosomal recessive nonsyndromic hearing loss 1A. Review status: criteria provided, single submitter. Criteria: ACMG Guidelines, 2015. Collection method: clinical testing. Allele origin: germline. Inheritance: Autosomal recessive inheritance. Affected: yes. Observed: 1 homozygote. Not counted in ClinVar's aggregate classification.
Comment: A Homozygote Nonsense variant c.71G>A in Exon 2 of the GJB2 gene that results in the amino acid substitution p.Trp24* was identified. The observed variant has a minor allele frequency of 0.00058 in gnomAD exomes and 0.00003 in genomes. The severity of the impact of this variant on the protein is high, based on the effect of the protein and REVEL score. Rare Exome Variant Ensemble Learner (REVEL) is an ensembl method for predicting the pathogenicity of missense variants based on a combination of scores from 13 individual tools: MutPred, FATHMM v2.3, VEST 3.0, PolyPhen-2, SIFT, PROVEAN, MutationAssessor, MutationTaster, LRT, GERP++, SiPhy, phyloP, and phastCons. The REVEL score for an individual missense variant can range from 0 to 1, with higher scores reflecting greater likelihood that the variant is disease-causing. ClinVar has also classified this variant as Pathogenic [Variation ID: 17002]. The observed variation has been previously reported in patients affected with Deafness (Kecskeméti, Nóra et al., 2018). For these reasons, this variant has been classified as Pathogenic.

Neuberg Centre For Genomic Medicine, NCGM
Classification: Pathogenic for Palmoplantar keratoderma-deafness syndrome. Review status: criteria provided, single submitter. Criteria: ACMG Guidelines, 2015. Collection method: clinical testing. Allele origin: germline. Inheritance: Autosomal dominant inheritance. Affected: yes. Not counted in ClinVar's aggregate classification.

Suma Genomics
Classification: Pathogenic for Autosomal recessive nonsyndromic hearing loss 1A. Review status: criteria provided, single submitter. Criteria: ACMG Guidelines, 2015. Collection method: clinical testing. Allele origin: inherited. Inheritance: Autosomal recessive inheritance. Affected: yes. Not counted in ClinVar's aggregate classification.

Kasturba Medical College, Manipal, Kasturba Medical College, Manipal, Manipal Academy of Higher Education, Manipal, India
Classification: Pathogenic for Autosomal recessive nonsyndromic hearing loss 1A. Last evaluated: 2025-11-17. Review status: no assertion criteria provided. Collection method: research. Allele origin: inherited. Inheritance: Autosomal recessive inheritance. Affected: yes. Observed: 1 homozygote. Not counted in ClinVar's aggregate classification.
Comment: A known stopgain variant, c.71G>A in exon 2 of GJB2 was observed in homozygous state in the proband (Singh et al., 2018). This variant is present in 451 individuals in heterozygous state and in four individuals in homozygous state in the population database gnomAD (v.4.1.0). This variant is present in 88 individuals in heterozygous state and in five individuals with hearing loss in homozygous state in our in-house database of 3871 exomes. This variant has been curated as pathogenic in ClinVar (VCV000017002.129) by the Clingen hearing loss variant curation expert panel. Functional studies have shown that although this variant produces a full-length protein, however it exhibits defective cellular localization (Mani et al., 2008).

PreventionGenetics, part of Exact Sciences
Classification: Pathogenic for GJB2-related condition. Last evaluated: 2024-03-27. Review status: no assertion criteria provided. Collection method: clinical testing. Allele origin: germline. Not counted in ClinVar's aggregate classification.
Comment: The GJB2 c.71G>A variant is predicted to result in premature protein termination (p.Trp24*). This variant has been reported as causative for autosomal recessive hearing loss (Alvarez et al. 2005. PubMed ID: 16088916; Santos et al. 2005. PubMed ID: 15617550; Mani et al. 2009. PubMed ID: 18941476; Pavithra et al. 2014. PubMed ID: 24840842). This is the most common GJB2 variant in individuals of Indian and Roma descent (Bouwer et al. 2007. PubMed ID: 18294064). This variant is reported in 0.44% of alleles in individuals of South Asian descent in gnomAD. Nonsense variants in GJB2 are expected to be pathogenic. This variant is interpreted as pathogenic.

Center for Statistical Genetics, Columbia University
Classification: Pathogenic for Hearing impairment. Last evaluated: 2018-11-22. Review status: no assertion criteria provided. Collection method: research. Allele origin: germline. Affected: yes. Not counted in ClinVar's aggregate classification.

Counsyl
Classification: Pathogenic for Autosomal dominant nonsyndromic hearing loss 3A. Last evaluated: 2015-12-18. Review status: no assertion criteria provided. Collection method: clinical testing. Allele origin: unknown. Not counted in ClinVar's aggregate classification.

Clinical Molecular Genetics Laboratory, Johns Hopkins All Children's Hospital
Classification: Pathogenic for Hearing loss. Last evaluated: 2014-10-27. Review status: no assertion criteria provided. Collection method: clinical testing. Allele origin: germline. Affected: yes. Not counted in ClinVar's aggregate classification.

Division of Human Genetics, Children's Hospital of Philadelphia
Classification: Pathogenic for Deafness, autosomal recessive 1A. Last evaluated: 2014-06-23. Review status: no assertion criteria provided. Collection method: research. Allele origin: germline. Affected: yes. Study: CSER-PediSeq. Not counted in ClinVar's aggregate classification.
Comment: The variant (c. 71G>A, p. W24*) has been previously associated with autosomal recessive hearing loss (Kelsell et al. 1997, PMID: 9139825; Maheshwari et al. 2003, PMID: 12833397; Minarik et al. 2003, PMID: 15113126; Roux et al. 2004, PMID: 15070423; Toth et al. 2004, PMID: 15146474; Alvarez et al. 2005, PMID: 16088916; Bouwer et al. 2007, PMID: 18294064). This variant has been described as the most common GJB2 variant in individuals of Indian descent (2.4% carrier frequency) and Roma descent (4-5% carrier frequency) (Bouwer et al. 2007, PMID: 18294064). This variant is a nonsense variant predicted to create a premature stop codon. Functional analysis suggests that this variant affects the gap junction activity (Mani et al. 2009, PMID: 18941476). Taken together this variant is considered a pathogenic variant.